The following is an entry in ClinVar:

NM_015335.5(MED13L):c.3179C>G (p.Pro1060Arg)

Gene: MED13L (mediator complex subunit 13L; minus strand). Cytogenetic location: 12q24.21.
Variant type: single nucleotide variant.
Coding change: c.3179C>G on transcript NM_015335.5 (MANE Select); coding-DNA position 3179, C replaced by G.
Protein change: p.Pro1060Arg; replaces proline 1060 with arginine.
Molecular consequence: missense variant.
Genome position (GRCh38, 1-based): chr12:115,991,775, G>C on the plus strand (C>G on the coding strand, the complement: MED13L is on the minus strand). VCF-style: chr12-115991775-G-C. GRCh37 (hg19) VCF-style: chr12-116429580-G-C.
Other names: short protein forms P1060R.
Identifiers: ClinVar variation 3899829 (VCV003899829.2).

ClinVar aggregate classification (germline): Uncertain significance (1 of 4 stars; one submission).

Submission:

GeneDx
Classification: Uncertain significance. Last evaluated: 2026-07-21. Review status: criteria provided, single submitter. Criteria: GeneDx Variant Classification Process June 2021. Collection method: clinical testing. Allele origin: germline.
Comment: Not observed at significant frequency in large population cohorts (gnomAD); In silico analysis supports that this missense variant has a deleterious effect on protein structure/function; Has not been previously published as pathogenic or benign to our knowledge